The following is an entry in ClinVar:

NM_005932.4(MIPEP):c.1107-2A>G

Gene: MIPEP (mitochondrial intermediate peptidase; minus strand). Cytogenetic location: 13q12.12.
Variant type: single nucleotide variant.
Coding change: c.1107-2A>G on transcript NM_005932.4 (MANE Select); the canonical splice acceptor site of the intron before coding-DNA position 1107, A replaced by G.
Molecular consequence: splice acceptor variant.
Genome position (GRCh38, 1-based): chr13:23,841,490, T>C on the plus strand (A>G on the coding strand, the complement: MIPEP is on the minus strand). VCF-style: chr13-23841490-T-C. GRCh37 (hg19) VCF-style: chr13-24415629-T-C.
Identifiers: ClinVar variation 3900295 (VCV003900295.1).

ClinVar aggregate classification (germline): Likely pathogenic (1 of 4 stars; one submission).

gnomAD v4.1: 32 of 1,598,108 alleles (0.002%); highest among the groups gnomAD compares: Non-Finnish European, 0.0026%; no homozygotes.

Submission:

GeneDx
Classification: Likely pathogenic. Last evaluated: 2024-11-26. Review status: criteria provided, single submitter. Criteria: GeneDx Variant Classification Process June 2021. Collection method: clinical testing. Allele origin: germline. Affected: yes.
Comment: Canonical splice site variant predicted to result in a null allele in a gene for which loss of function is a known mechanism of disease; Not observed at significant frequency in large population cohorts (gnomAD); Has not been previously published as pathogenic or benign to our knowledge